The following is an entry in ClinVar:

ClinVar aggregate classification (germline): Likely benign. Review status: criteria provided, multiple submitters, no conflicts (2 of 4 stars). 3 submissions from 3 submitters: Likely benign (2). 1 of the submissions does not count toward it. Last evaluated 2025-04-07.

Conditions:
GNAS-related disorder. Identifiers: MedGen CN380105.

Allele frequency attached by ClinVar (database versions not stated): gnomAD exomes 0.00002 and 0.00009; ExAC 0.00009; gnomAD 0.00020 and 0.00021; TOPMed 0.00022; ESP Exome Variant Server 0.00031; 1000 Genomes Project 30x 0.00078; 1000 Genomes Project 0.00080.
gnomAD v4.1: 65 of 1,604,966 alleles (0.004%); highest among the groups gnomAD compares: African/African-American, 0.064%; no homozygotes.

Submissions (3):

Labcorp Genetics (formerly Invitae), Labcorp
Classification: Likely benign. Last evaluated: 2025-04-07. Review status: criteria provided, single submitter. Criteria: Invitae Variant Classification Sherloc (09022015). Collection method: clinical testing. Allele origin: germline.

Blueprint Genetics
Classification: Likely benign. Last evaluated: 2023-04-12. Review status: criteria provided, single submitter. Criteria: ACMG Guidelines, 2015. Collection method: clinical testing. Allele origin: germline.

PreventionGenetics, part of Exact Sciences
Classification: Likely benign for GNAS-related condition. Last evaluated: 2022-02-03. Review status: no assertion criteria provided. Collection method: clinical testing. Allele origin: germline. Not counted in ClinVar's aggregate classification.
Comment: This variant is classified as likely benign based on ACMG/AMP sequence variant interpretation guidelines (Richards et al. 2015 PMID: 25741868, with internal and published modifications).

NM_000516.7(GNAS):c.159A>G (p.Lys53=)

Gene: GNAS (GNAS complex locus; plus strand). Cytogenetic location: 20q13.32.
Variant type: single nucleotide variant.
Coding change: c.159A>G on transcript NM_000516.7 (MANE Select); coding-DNA position 159, A replaced by G.
Protein change: p.Lys53=; no amino-acid change (lysine 53 retained).
Molecular consequence: synonymous variant. On other transcripts: 3 prime UTR variant (3), 5 prime UTR variant (2), non-coding transcript variant (2).
Genome position (GRCh38, 1-based): chr20:58,895,631, A>G. VCF-style: chr20-58895631-A-G. GRCh37 (hg19) VCF-style: chr20-57470686-A-G.
Other names: c.159A>G, p.Lys53= (NM_001077488.5, NM_001077489.4, NM_001309842.2 and 1 more transcripts); c.*20A>G (NM_001077490.3); c.-19A>G (NM_001309840.2, NM_001309861.2); c.*178A>G (NM_001309883.1); c.*62A>G (NM_016592.5); c.2088A>G, p.Lys696= (NM_080425.4).
Identifiers: ClinVar variation 726011 (VCV000726011.12), dbSNP rs143563082, ClinGen allele CA9926916.